The following is an entry in ClinVar:

ClinVar aggregate classification (germline): Uncertain significance. Review status: criteria provided, multiple submitters, no conflicts (2 of 4 stars). 2 submissions from 2 submitters: Uncertain significance (2). Last evaluated 2025-09-05.

Conditions:
Inborn genetic diseases. Identifiers: MedGen C0950123, MeSH D030342.

gnomAD v4.1: 45 of 1,606,618 alleles (0.0028%); highest among the groups gnomAD compares: Non-Finnish European, 0.0038%; no homozygotes.

Submissions (2):

Labcorp Genetics (formerly Invitae), Labcorp
Classification: Uncertain significance. Last evaluated: 2025-09-05. Review status: criteria provided, single submitter. Criteria: Invitae Variant Classification Sherloc (09022015). Collection method: clinical testing. Allele origin: germline.
Comment: This sequence change replaces glutamine, which is neutral and polar, with arginine, which is basic and polar, at codon 33 of the DIP2C protein (p.Gln33Arg). This variant is present in population databases (no rsID available, gnomAD 0.002%). This variant has not been reported in the literature in individuals affected with DIP2C-related conditions. ClinVar contains an entry for this variant (Variation ID: 3272098). An algorithm developed to predict the effect of missense changes on protein structure and function (PolyPhen-2) suggests that this variant is likely to be tolerated. In summary, the available evidence is currently insufficient to determine the role of this variant in disease. Therefore, it has been classified as a Variant of Uncertain Significance.

Ambry Genetics
Classification: Uncertain significance for Inborn genetic diseases. Last evaluated: 2024-04-01. Review status: criteria provided, single submitter. Criteria: Ambry Variant Classification Scheme 2023. Collection method: clinical testing. Allele origin: germline.

NM_014974.3(DIP2C):c.98A>G (p.Gln33Arg)

Gene: DIP2C (DIP2 acetate--CoA ligase C (putative); minus strand). Cytogenetic location: 10p15.3.
Variant type: single nucleotide variant.
Coding change: c.98A>G on transcript NM_014974.3 (MANE Select); coding-DNA position 98, A replaced by G.
Protein change: p.Gln33Arg; replaces glutamine 33 with arginine.
Molecular consequence: missense variant.
Genome position (GRCh38, 1-based): chr10:486,518, T>C on the plus strand (A>G on the coding strand, the complement: DIP2C is on the minus strand). VCF-style: chr10-486518-T-C. GRCh37 (hg19) VCF-style: chr10-532458-T-C.
Other names: short protein forms Q33R.
Identifiers: ClinVar variation 3272098 (VCV003272098.2).